The following is an entry in ClinVar:

NM_002449.5(MSX2):c.*723A>C

Gene: MSX2 (msh homeobox 2; plus strand). Cytogenetic location: 5q35.2.
Variant type: single nucleotide variant.
Coding change: c.*723A>C on transcript NM_002449.5 (MANE Select); 723 bases downstream of the stop codon, A replaced by C.
Molecular consequence: 3 prime UTR variant.
Genome position (GRCh38, 1-based): chr5:174,730,306, A>C. VCF-style: chr5-174730306-A-C. GRCh37 (hg19) VCF-style: chr5-174157309-A-C.
Other names: c.*1151A>C (NM_001363626.2).
Identifiers: ClinVar variation 352855 (VCV000352855.5), dbSNP rs115604243, ClinGen allele CA10620058.

ClinVar aggregate classification (germline): Benign. Review status: criteria provided, single submitter (1 of 4 stars). 2 submissions from 1 submitter: Benign (2). Last evaluated 2018-01-13.

Conditions:
Parietal foramina 1 (PFM1). Also called: FORAMINA PARIETALIA PERMAGNA; PARIETAL FORAMINA, SYMMETRIC. Identifiers: Orphanet 60015, MedGen C1868599, MONDO:0008197, OMIM 168500.
Craniosynostosis 2 (CRS2). Also called: Warman-Mulliken-Hayward syndrome; Craniosynostosis Warman type; Craniosynostosis Boston type. Identifiers: Orphanet 1541, MedGen C1858160, MONDO:0011481, OMIM 604757.

Allele frequency attached by ClinVar (database versions not stated): gnomAD 0.00288 and 0.00315; TOPMed 0.00361; 1000 Genomes Project 0.00439; 1000 Genomes Project 30x 0.00515.

Submissions (2):

Illumina Laboratory Services, Illumina
Classification: Benign for Parietal foramina 1. Last evaluated: 2018-01-13. Review status: criteria provided, single submitter. Criteria: ICSL Variant Classification Criteria 13 December 2019. Collection method: clinical testing. Allele origin: germline.
Comment: This variant was observed in the ICSL laboratory as part of a predisposition screen in an ostensibly healthy population. It had not been previously curated by ICSL or reported in the Human Gene Mutation Database (HGMD: prior to June 1st, 2018), and was therefore a candidate for classification through an automated scoring system. Utilizing variant allele frequency, disease prevalence and penetrance estimates, and inheritance mode, an automated score was calculated to assess if this variant is too frequent to cause the disease. Based on the score and internal cut-off values, a variant classified as benign is not then subjected to further curation. The score for this variant resulted in a classification of benign for this disease.

Illumina Laboratory Services, Illumina
Classification: Benign for Craniosynostosis 2. Last evaluated: 2018-01-13. Review status: criteria provided, single submitter. Criteria: ICSL Variant Classification Criteria 13 December 2019. Collection method: clinical testing. Allele origin: germline.
Comment: the same text as in the submission from Illumina Laboratory Services, Illumina above.